The following is an entry in ClinVar:

NM_000195.5(HPS1):c.1781A>T (p.Gln594Leu)

Gene: HPS1 (HPS1 biogenesis of lysosomal organelles complex 3 subunit 1; minus strand). Cytogenetic location: 10q24.2.
Variant type: single nucleotide variant.
Coding change: c.1781A>T on transcript NM_000195.5 (MANE Select); coding-DNA position 1781, A replaced by T.
Protein change: p.Gln594Leu; replaces glutamine 594 with leucine.
Molecular consequence: missense variant.
Genome position (GRCh38, 1-based): chr10:98,420,121, T>A on the plus strand (A>T on the coding strand, the complement: HPS1 is on the minus strand). VCF-style: chr10-98420121-T-A. GRCh37 (hg19) VCF-style: chr10-100179878-T-A.
Other names: c.809A>T, p.Gln270Leu (NM_001311345.2, NM_001322487.2, NM_001322489.2); c.1781A>T, p.Gln594Leu (NM_001322476.2, NM_001322477.2); c.1682A>T, p.Gln561Leu (NM_001322478.2, NM_001322479.2); c.1520A>T, p.Gln507Leu (NM_001322480.2, NM_001322481.2); c.1421A>T, p.Gln474Leu (NM_001322482.2); c.1412A>T, p.Gln471Leu (NM_001322483.2, NM_001322484.2); c.1313A>T, p.Gln438Leu (NM_001322485.2); short protein forms Q438L, Q507L, Q270L, Q474L, Q561L, Q471L, Q594L.
Identifiers: ClinVar variation 1896721 (VCV001896721.2), dbSNP rs1844658440, ClinGen allele CA378043604.

ClinVar aggregate classification (germline): Uncertain significance (1 of 4 stars; one submission).

Allele frequency attached by ClinVar (database versions not stated): TOPMed below 0.00001.

Submission:

Labcorp Genetics (formerly Invitae), Labcorp
Classification: Uncertain significance. Last evaluated: 2022-08-09. Review status: criteria provided, single submitter. Criteria: Invitae Variant Classification Sherloc (09022015). Collection method: clinical testing. Allele origin: germline.
Comment: This sequence change replaces glutamine, which is neutral and polar, with leucine, which is neutral and non-polar, at codon 594 of the HPS1 protein (p.Gln594Leu). This variant is not present in population databases (gnomAD no frequency). This variant has not been reported in the literature in individuals affected with HPS1-related conditions. Algorithms developed to predict the effect of missense changes on protein structure and function are either unavailable or do not agree on the potential impact of this missense change (SIFT: "Deleterious"; PolyPhen-2: "Possibly Damaging"; Align-GVGD: "Class C0"). In summary, the available evidence is currently insufficient to determine the role of this variant in disease. Therefore, it has been classified as a Variant of Uncertain Significance.